The following is an entry in ClinVar:

ClinVar aggregate classification (germline): Likely benign. Review status: criteria provided, multiple submitters, no conflicts (2 of 4 stars). 4 submissions from 4 submitters: Likely benign (3). 1 of the submissions does not count toward it. Last evaluated 2026-03-01.

Conditions:
RIMS1-related disorder. Also called: RIMS1-related condition.

Allele frequency attached by ClinVar (database versions not stated): gnomAD exomes 0.00003 and 0.00007; ExAC 0.00012; ESP Exome Variant Server 0.00025; gnomAD 0.00036 and 0.00042; TOPMed 0.00042.
gnomAD v4.1: 102 of 1,605,094 alleles (0.0064%); highest among the groups gnomAD compares: African/African-American, 0.12%; no homozygotes.

Submissions (4):

CeGaT Center for Human Genetics Tuebingen
Classification: Likely benign. Last evaluated: 2026-03-01. Review status: criteria provided, single submitter. Criteria: CeGaT Center For Human Genetics Tuebingen Variant Classification Criteria Version 2. Collection method: clinical testing. Allele origin: germline. Affected: yes. Observed: 1 variant allele.
Comment: RIMS1: BS1

Labcorp Genetics (formerly Invitae), Labcorp
Classification: Likely benign. Last evaluated: 2025-03-31. Review status: criteria provided, single submitter. Criteria: Invitae Variant Classification Sherloc (09022015). Collection method: clinical testing. Allele origin: germline.

Blueprint Genetics
Classification: Likely benign. Last evaluated: 2024-02-19. Review status: criteria provided, single submitter. Criteria: ACMG Guidelines, 2015. Collection method: clinical testing. Allele origin: germline.

PreventionGenetics, part of Exact Sciences
Classification: Likely benign for RIMS1-related condition. Last evaluated: 2023-04-04. Review status: no assertion criteria provided. Collection method: clinical testing. Allele origin: germline. Not counted in ClinVar's aggregate classification.
Comment: This variant is classified as likely benign based on ACMG/AMP sequence variant interpretation guidelines (Richards et al. 2015 PMID: 25741868, with internal and published modifications).

NM_014989.7(RIMS1):c.3923C>A (p.Ser1308Tyr)

Gene: RIMS1 (regulating synaptic membrane exocytosis 1; plus strand). Cytogenetic location: 6q13.
Variant type: single nucleotide variant.
Coding change: c.3923C>A on transcript NM_014989.7 (MANE Select); coding-DNA position 3923, C replaced by A.
Protein change: p.Ser1308Tyr; replaces serine 1308 with tyrosine.
Molecular consequence: missense variant. On other transcripts: intron variant (24).
Genome position (GRCh38, 1-based): chr6:72,307,330, C>A. VCF-style: chr6-72307330-C-A. GRCh37 (hg19) VCF-style: chr6-73017033-C-A.
Other names: c.1793C>A, p.Ser598Tyr (NM_001350454.2); c.2066C>A, p.Ser689Tyr (NM_001350456.2); c.1823C>A, p.Ser608Tyr (NM_001350457.2); c.1892C>A, p.Ser631Tyr (NM_001350458.2); c.1745C>A, p.Ser582Tyr (NM_001350459.2); c.1763C>A, p.Ser588Tyr (NM_001350460.2); c.1640C>A, p.Ser547Tyr (NM_001350461.2); c.1928C>A, p.Ser643Tyr (NM_001350462.2); and 51 more; short protein forms S575Y, S609Y, S628Y, S666Y, S690Y, S523Y, S524Y, S553Y.
Identifiers: ClinVar variation 957932 (VCV000957932.16), dbSNP rs375771440, ClinGen allele CA3886395.